The following is an entry in ClinVar:

NM_001082486.2(ACD):c.228G>C (p.Leu76=)

Gene: ACD (ACD shelterin complex subunit and telomerase recruitment factor; minus strand). Cytogenetic location: 16q22.1.
Variant type: single nucleotide variant.
Coding change: c.228G>C on transcript NM_001082486.2 (MANE Select); coding-DNA position 228, G replaced by C.
Protein change: p.Leu76=; no amino-acid change (leucine 76 retained).
Molecular consequence: synonymous variant.
Genome position (GRCh38, 1-based): chr16:67,659,917, C>G on the plus strand (G>C on the coding strand, the complement: ACD is on the minus strand). VCF-style: chr16-67659917-C-G. GRCh37 (hg19) VCF-style: chr16-67693820-C-G.
Other names: c.228G>C, p.Leu76= (NM_001410884.1); c.219G>C, p.Leu73= (NM_022914.3).
Identifiers: ClinVar variation 2646634 (VCV002646634.24), dbSNP rs2543610025, ClinGen allele CA496088307.

ClinVar aggregate classification (germline): Likely benign (1 of 4 stars; one submission).

Submission:

CeGaT Center for Human Genetics Tuebingen
Classification: Likely benign. Last evaluated: 2023-04-01. Review status: criteria provided, single submitter. Criteria: CeGaT Center For Human Genetics Tuebingen Variant Classification Criteria Version 2. Collection method: clinical testing. Allele origin: germline. Affected: yes. Observed: 1 variant allele.
Comment: ACD: PM2:Supporting, BP4, BP7